The following is an entry in ClinVar:

ClinVar aggregate classification (germline): Pathogenic. Review status: criteria provided, multiple submitters, no conflicts (2 of 4 stars). 2 submissions from 2 submitters: Pathogenic (2). Last evaluated 2025-10-09.

Conditions:
GPR143-related disorders.

gnomAD v4.1: 1 of 1,186,326 alleles (0.000084%); highest among the groups gnomAD compares: Non-Finnish European, 0.00011%; no homozygotes.

Submissions (2):

Labcorp Genetics (formerly Invitae), Labcorp
Classification: Pathogenic. Last evaluated: 2025-10-09. Review status: criteria provided, single submitter. Criteria: Invitae Variant Classification Sherloc (09022015). Collection method: clinical testing. Allele origin: germline.
Comment: This sequence change creates a premature translational stop signal (p.Arg245*) in the GPR143 gene. It is expected to result in an absent or disrupted protein product. Loss-of-function variants in GPR143 are known to be pathogenic (PMID: 15965158, 18978956, 19390656, 21541274, 26160353, 28211458). This variant is not present in population databases (gnomAD no frequency). This premature translational stop signal has been observed in individual(s) with ocular albinism (PMID: 9529334, 27672609, 28211458, 28976636, 31574285). ClinVar contains an entry for this variant (Variation ID: 1352731). Algorithms developed to predict the effect of sequence changes on RNA splicing suggest that this variant may disrupt the consensus splice site. For these reasons, this variant has been classified as Pathogenic.

Blueprint Genetics
Classification: Pathogenic for GPR143-related disorders. Last evaluated: 2022-08-25. Review status: criteria provided, single submitter. Criteria: ACMG Guidelines, 2015. Collection method: clinical testing. Allele origin: germline. Affected: yes. Observed: 5 variant alleles.

Literature cited by the submitters: PubMed 15965158 (cited by Labcorp Genetics (formerly Invitae), Labcorp); PubMed 18978956 (cited by Labcorp Genetics (formerly Invitae), Labcorp); PubMed 19390656 (cited by Labcorp Genetics (formerly Invitae), Labcorp); PubMed 21541274 (cited by Labcorp Genetics (formerly Invitae), Labcorp); PubMed 26160353 (cited by Labcorp Genetics (formerly Invitae), Labcorp); PubMed 28211458 (cited by Labcorp Genetics (formerly Invitae), Labcorp); PubMed 9529334 (cited by Labcorp Genetics (formerly Invitae), Labcorp); PubMed 27672609 (cited by Labcorp Genetics (formerly Invitae), Labcorp); PubMed 28976636 (cited by Labcorp Genetics (formerly Invitae), Labcorp); PubMed 31574285 (cited by Labcorp Genetics (formerly Invitae), Labcorp).

NM_000273.3(GPR143):c.733C>T (p.Arg245Ter)

Gene: GPR143 (G protein-coupled receptor 143; minus strand). Cytogenetic location: Xp22.2.
Variant type: single nucleotide variant.
Coding change: c.733C>T on transcript NM_000273.3 (MANE Select); coding-DNA position 733, C replaced by T.
Protein change: p.Arg245Ter; replaces arginine 245 with a stop codon.
Molecular consequence: nonsense.
Genome position (GRCh38, 1-based): chrX:9,743,599, G>A on the plus strand (C>T on the coding strand, the complement: GPR143 is on the minus strand). VCF-style: chrX-9743599-G-A. GRCh37 (hg19) VCF-style: chrX-9711639-G-A.
Other names: short protein forms R245*.
Identifiers: ClinVar variation 1352731 (VCV001352731.7), dbSNP rs2146687477, ClinGen allele CA411996837.
Genomic context (GRCh38, chrX:9,743,599, plus strand): 5'-ATACACATATATAGAAGAAAGGTTACCAAATAATTAAAACCAGCATGATTTTGAAAAATC[G>A]GATCTTGATCACGGCTCCCATCCTCCTCTCGTTCTCCGTGTAAATGCCTTGTCTTCCTTT-3'